The following is an entry in ClinVar:

NM_173728.4(ARHGEF15):c.830T>C (p.Leu277Pro)

Gene: ARHGEF15 (Rho guanine nucleotide exchange factor 15; plus strand). Cytogenetic location: 17p13.1.
Variant type: single nucleotide variant.
Coding change: c.830T>C on transcript NM_173728.4 (MANE Select); coding-DNA position 830, T replaced by C.
Protein change: p.Leu277Pro; replaces leucine 277 with proline.
Molecular consequence: missense variant.
Genome position (GRCh38, 1-based): chr17:8,313,150, T>C. VCF-style: chr17-8313150-T-C. GRCh37 (hg19) VCF-style: chr17-8216468-T-C.
Other names: c.830T>C, p.Leu277Pro (NM_025014.2); short protein forms L277P.
Identifiers: ClinVar variation 1166288 (VCV001166288.14), dbSNP rs871841, ClinGen allele CA8374997.

ClinVar aggregate classification (germline): Benign. Review status: criteria provided, multiple submitters, no conflicts (2 of 4 stars). 3 submissions from 3 submitters: Benign (3). Last evaluated 2026-02-03.

Conditions:
Early-infantile DEE. Also called: Ohtahara syndrome; Early infantile epileptic encephalopathy with suppression bursts; Early infantile epileptic encephalopathy. Identifiers: Orphanet 1934, MedGen C0393706, MONDO:0800491.

Allele frequency attached by ClinVar (database versions not stated): ExAC 0.55414; gnomAD exomes 0.55862; ESP Exome Variant Server 0.56343; gnomAD 0.58138 and 0.58202; TOPMed 0.59871; 1000 Genomes Project 0.62101; 1000 Genomes Project 30x 0.62414.
gnomAD v4.1: 842,996 of 1,595,034 alleles (53%); highest among the groups gnomAD compares: East Asian, 78%; 225,057 homozygotes.

Submissions (3):

Labcorp Genetics (formerly Invitae), Labcorp
Classification: Benign for Early-infantile DEE. Last evaluated: 2026-02-03. Review status: criteria provided, single submitter. Criteria: Invitae Variant Classification Sherloc (09022015). Collection method: clinical testing. Allele origin: germline.

GeneDx
Classification: Benign. Last evaluated: 2019-01-09. Review status: criteria provided, single submitter. Criteria: GeneDx Variant Classification Process June 2021. Collection method: clinical testing. Allele origin: germline. Affected: yes.
Comment: This variant is associated with the following publications: (PMID: 29083408)

Breakthrough Genomics
Classification: Benign. Review status: criteria provided, single submitter. Criteria: ACMG Guidelines, 2015. Collection method: not provided. Allele origin: germline. Inheritance: Unknown mechanism. Affected: yes.